The following is an entry in ClinVar:

ClinVar aggregate classification (germline): Uncertain significance (1 of 4 stars; one submission).

Conditions:
Tuberous sclerosis 1 (TSC1). Identifiers: Orphanet 805, MedGen C1854465, MONDO:0008612, OMIM 191100.

Submission:

Labcorp Genetics (formerly Invitae), Labcorp
Classification: Uncertain significance for Tuberous sclerosis 1. Last evaluated: 2021-02-22. Review status: criteria provided, single submitter. Criteria: Invitae Variant Classification Sherloc (09022015). Collection method: clinical testing. Allele origin: germline.
Comment: In summary, the available evidence is currently insufficient to determine the role of this variant in disease. Therefore, it has been classified as a Variant of Uncertain Significance. Algorithms developed to predict the effect of missense changes on protein structure and function are either unavailable or do not agree on the potential impact of this missense change (SIFT: "Deleterious"; PolyPhen-2: "Probably Damaging"; Align-GVGD: "Class C0"). This sequence change replaces valine with phenylalanine at codon 933 of the TSC1 protein (p.Val933Phe). The valine residue is highly conserved and there is a small physicochemical difference between valine and phenylalanine. This variant is not present in population databases (ExAC no frequency). This variant has not been reported in the literature in individuals with TSC1-related conditions.

NM_000368.5(TSC1):c.2797G>T (p.Val933Phe)

Gene: TSC1 (TSC complex subunit 1; minus strand). Cytogenetic location: 9q34.13.
Variant type: single nucleotide variant.
Coding change: c.2797G>T on transcript NM_000368.5 (MANE Select); coding-DNA position 2797, G replaced by T.
Protein change: p.Val933Phe; replaces valine 933 with phenylalanine.
Molecular consequence: missense variant.
Genome position (GRCh38, 1-based): chr9:132,897,439, C>A on the plus strand (G>T on the coding strand, the complement: TSC1 is on the minus strand). VCF-style: chr9-132897439-C-A. GRCh37 (hg19) VCF-style: chr9-135772826-C-A.
Other names: c.2794G>T, p.Val932Phe (NM_001162426.2); c.2644G>T, p.Val882Phe (NM_001162427.2); c.2434G>T, p.Val812Phe (NM_001362177.2); short protein forms V932F, V933F, V812F, V882F.
Identifiers: ClinVar variation 1047838 (VCV001047838.8), dbSNP rs1845136906, ClinGen allele CA375369041.
Genomic context (GRCh38, chr9:132,897,439, plus strand): 5'-TTCCACTTAATAAAAACACAAAAGCCTTTCCTGATGAAAGTTACCTTGCCTGGAGTTTGA[C>A]ATCCTCTAGATATTTCTTCTGTTCCAAAAGAAGGTGGTCTTTCTTGGCCAGGTGAGATTC-3'
Protein context (NP_000359.1, residues 923-943): LLEQKKYLED[Val933Phe]KLQARGQLQA